The following is an entry in ClinVar:

NM_017969.3(IWS1):c.798A>G (p.Glu266=)

Gene: IWS1 (interacts with SUPT6H, CTD assembly factor 1; minus strand). Cytogenetic location: 2q14.3.
Variant type: single nucleotide variant.
Coding change: c.798A>G on transcript NM_017969.3 (MANE Select); coding-DNA position 798, A replaced by G.
Protein change: p.Glu266=; no amino-acid change (glutamic acid 266 retained).
Molecular consequence: synonymous variant.
Genome position (GRCh38, 1-based): chr2:127,505,105, T>C on the plus strand (A>G on the coding strand, the complement: IWS1 is on the minus strand). VCF-style: chr2-127505105-T-C. GRCh37 (hg19) VCF-style: chr2-128262681-T-C.
Other names: c.798A>G, p.Glu266= (NM_001410923.1).
Identifiers: ClinVar variation 4533482 (VCV004533482.6).

ClinVar aggregate classification (germline): Likely benign (1 of 4 stars; one submission).

Submission:

CeGaT Center for Human Genetics Tuebingen
Classification: Likely benign. Last evaluated: 2025-10-01. Review status: criteria provided, single submitter. Criteria: CeGaT Center For Human Genetics Tuebingen Variant Classification Criteria Version 2. Collection method: clinical testing. Allele origin: germline. Affected: yes. Observed: 1 variant allele.
Comment: IWS1: PM2:Supporting, BP4, BP7